The following is an entry in ClinVar:

NM_024753.5(TTC21B):c.654A>G (p.Lys218=)

Genes: TTC21B (tetratricopeptide repeat domain 21B; minus strand), TTC21B-AS1 (TTC21B antisense RNA 1; plus strand). Cytogenetic location: 2q24.3.
Variant type: single nucleotide variant.
Coding change: c.654A>G on transcript NM_024753.5 (MANE Select); coding-DNA position 654, A replaced by G.
Protein change: p.Lys218=; no amino-acid change (lysine 218 retained).
Molecular consequence: synonymous variant.
Genome position (GRCh38, 1-based): chr2:165,941,083, T>C on the plus strand (A>G on the coding strand, the complement: TTC21B is on the minus strand). VCF-style: chr2-165941083-T-C. GRCh37 (hg19) VCF-style: chr2-166797593-T-C.
Identifiers: ClinVar variation 4994792 (VCV004994792.1).

ClinVar aggregate classification (germline): Likely benign (1 of 4 stars; one submission).

Conditions:
TTC21B-related disorder. Also called: TTC21B-related condition; TTC21B-related disorders.

Submission:

PreventionGenetics, part of Exact Sciences
Classification: Likely benign for TTC21B-related condition. Last evaluated: 2025-11-19. Review status: criteria provided, single submitter. Criteria: ACMG Guidelines, 2015. Collection method: clinical testing. Allele origin: germline.
Comment: This variant is classified as likely benign based on ACMG/AMP sequence variant interpretation guidelines (Richards et al. 2015 PMID: 25741868, with internal and published modifications).